The following is an entry in ClinVar:

ClinVar aggregate classification (germline): Likely benign. Review status: criteria provided, multiple submitters, no conflicts (2 of 4 stars). 2 submissions from 2 submitters: Likely benign (2). Last evaluated 2026-01-28.

Allele frequency attached by ClinVar (database versions not stated): ESP Exome Variant Server 0.00008.
gnomAD v4.1: 40 of 1,601,434 alleles (0.0025%); highest among the groups gnomAD compares: African/African-American, 0.052%; no homozygotes.

Submissions (2):

Labcorp Genetics (formerly Invitae), Labcorp
Classification: Likely benign. Last evaluated: 2026-01-28. Review status: criteria provided, single submitter. Criteria: Invitae Variant Classification Sherloc (09022015). Collection method: clinical testing. Allele origin: germline.

Mayo Clinic Laboratories, Mayo Clinic
Classification: Likely benign. Last evaluated: 2025-08-13. Review status: criteria provided, single submitter. Criteria: ACMG Guidelines, 2015. Collection method: clinical testing. Allele origin: germline. Observed: 1 variant allele.
Comment: BP4, BP7

NM_000443.4(ABCB4):c.1230+18T>C

Gene: ABCB4 (ATP binding cassette subfamily B member 4; minus strand). Cytogenetic location: 7q21.12.
Variant type: single nucleotide variant.
Coding change: c.1230+18T>C on transcript NM_000443.4 (MANE Select); 18 bases into the intron after coding-DNA position 1230, T replaced by C.
Molecular consequence: intron variant.
Genome position (GRCh38, 1-based): chr7:87,443,645, A>G on the plus strand (T>C on the coding strand, the complement: ABCB4 is on the minus strand). VCF-style: chr7-87443645-A-G. GRCh37 (hg19) VCF-style: chr7-87072961-A-G.
Other names: p.?; c.1230+18T>C (NM_018850.3, NM_018849.3).
Identifiers: ClinVar variation 2956902 (VCV002956902.4), dbSNP rs375626805, ClinGen allele CA4327355.